The following is an entry in ClinVar:

ClinVar aggregate classification (germline): Uncertain significance. Review status: criteria provided, single submitter (1 of 4 stars). 2 submissions from 2 submitters: Uncertain significance (1). 1 of the submissions does not count toward it. Last evaluated 2024-01-07.

Conditions:
SEMA3E-related disorder. Also called: SEMA3E-related condition.
CHARGE syndrome (CHARGE). Also called: Hittner Hirsch Kreh syndrome; CHARGE ASSOCIATION--COLOBOMA, HEART ANOMALY, CHOANAL ATRESIA, RETARDATION, GENITAL AND EAR ANOMALIES; Coloboma, heart anomaly, choanal atresia, retardation, genital and ear anomalies; CHARGE association; Hall-Hittner syndrome. Identifiers: Orphanet 138, MedGen C0265354, MONDO:0008965.

Allele frequency attached by ClinVar (database versions not stated): gnomAD exomes below 0.00001; ExAC 0.00001; gnomAD 0.00001; TOPMed 0.00001.
gnomAD v4.1: 3 of 1,601,460 alleles (0.00019%); highest among the groups gnomAD compares: African/African-American, 0.004%; no homozygotes.

Submissions (2):

Labcorp Genetics (formerly Invitae), Labcorp
Classification: Uncertain significance for CHARGE syndrome. Last evaluated: 2024-01-07. Review status: criteria provided, single submitter. Criteria: Invitae Variant Classification Sherloc (09022015). Collection method: clinical testing. Allele origin: germline.
Comment: This sequence change replaces lysine, which is basic and polar, with glutamine, which is neutral and polar, at codon 38 of the SEMA3E protein (p.Lys38Gln). This variant is present in population databases (rs763457095, gnomAD 0.01%). This variant has not been reported in the literature in individuals affected with SEMA3E-related conditions. An algorithm developed to predict the effect of missense changes on protein structure and function (PolyPhen-2) suggests that this variant is likely to be tolerated. In summary, the available evidence is currently insufficient to determine the role of this variant in disease. Therefore, it has been classified as a Variant of Uncertain Significance.

PreventionGenetics, part of Exact Sciences
Classification: Uncertain significance for SEMA3E-related condition. Last evaluated: 2024-04-17. Review status: no assertion criteria provided. Collection method: clinical testing. Allele origin: germline. Not counted in ClinVar's aggregate classification.
Comment: The SEMA3E c.112A>C variant is predicted to result in the amino acid substitution p.Lys38Gln. To our knowledge, this variant has not been reported in the literature. This variant is reported in 0.012% of alleles in individuals of African descent in gnomAD. At this time, the clinical significance of this variant is uncertain due to the absence of conclusive functional and genetic evidence.

NM_012431.3(SEMA3E):c.112A>C (p.Lys38Gln)

Gene: SEMA3E (semaphorin 3E; minus strand). Cytogenetic location: 7q21.11.
Variant type: single nucleotide variant.
Coding change: c.112A>C on transcript NM_012431.3 (MANE Select); coding-DNA position 112, A replaced by C.
Protein change: p.Lys38Gln; replaces lysine 38 with glutamine.
Molecular consequence: missense variant.
Genome position (GRCh38, 1-based): chr7:83,648,431, T>G on the plus strand (A>C on the coding strand, the complement: SEMA3E is on the minus strand). VCF-style: chr7-83648431-T-G. GRCh37 (hg19) VCF-style: chr7-83277747-T-G.
Other names: c.112A>C (NM_012431.2); short protein forms K38Q.
Identifiers: ClinVar variation 2741118 (VCV002741118.4), dbSNP rs763457095, ClinGen allele CA4322486.